The following is an entry in ClinVar:

NM_005493.3(RANBP9):c.1735G>C (p.Gly579Arg)

Gene: RANBP9 (RAN binding protein 9; minus strand). Cytogenetic location: 6p23.
Variant type: single nucleotide variant.
Coding change: c.1735G>C on transcript NM_005493.3 (MANE Select); coding-DNA position 1735, G replaced by C.
Protein change: p.Gly579Arg; replaces glycine 579 with arginine.
Molecular consequence: missense variant.
Genome position (GRCh38, 1-based): chr6:13,634,491, C>G on the plus strand (G>C on the coding strand, the complement: RANBP9 is on the minus strand). VCF-style: chr6-13634491-C-G. GRCh37 (hg19) VCF-style: chr6-13634723-C-G.
Other names: c.1735G>C (NM_005493.2); short protein forms G579R.
Identifiers: ClinVar variation 3338180 (VCV003338180.3).
Genomic context (GRCh38, chr6:13,634,491, plus strand): 5'-CCATTTCGGTGTCACAATCTTCCATTTCGTGGTCATGTTTAGAGCTACCATTTAGGAAAC[C>G]ATTGGATGAAGTTTCTCCAACTCCATTGGAGTAGTGATCTGTTTCCATGTCTACATCATT-3'
Protein context (NP_005484.2, residues 569-589): SNGVGETSSN[Gly579Arg]FLNGSSKHDH

ClinVar aggregate classification (germline): Uncertain significance. Review status: criteria provided, single submitter (1 of 4 stars). 2 submissions from 2 submitters: Uncertain significance (1). 1 of the submissions does not count toward it. Last evaluated 2025-05-14.

Conditions:
Autism (AUTS). Also called: Autistic disorder; Autistic disorder of childhood onset. Identifiers: MedGen C0004352, MeSH D001321, MONDO:0005260, OMIM 209850, HP:0000717.

gnomAD v4.1: 29 of 1,613,374 alleles (0.0018%); highest among the groups gnomAD compares: South Asian, 0.03%; 1 homozygote.

Submissions (2):

Ambry Genetics
Classification: Uncertain significance. Last evaluated: 2025-05-14. Review status: criteria provided, single submitter. Criteria: Ambry Variant Classification Scheme 2023. Collection method: clinical testing. Allele origin: germline.

Centre for Addiction & Mental Health
Classification: Uncertain significance for Autism. Review status: no assertion criteria provided. Collection method: research. Allele origin: biparental. Affected: yes. Observed: 1 homozygote. Segregation with disease observed. Not counted in ClinVar's aggregate classification.
Comment: Gene not previously associated with disease; independent supportng evidence needed